The following is an entry in ClinVar:

ClinVar aggregate classification (germline): Pathogenic/Likely pathogenic. Review status: criteria provided, multiple submitters, no conflicts (2 of 4 stars). 31 submissions from 31 submitters: Pathogenic (21); Likely pathogenic (1). 9 of the submissions do not count toward it. Last evaluated 2026-05-10.

Conditions:
NPHS2-related disorder. Also called: NPHS2-related condition.
Nephrotic syndrome. Identifiers: MedGen C0027726, MONDO:0005377, HP:0000100.
Nephrotic syndrome, type 2 (NPHS2). Also called: NEPHROTIC SYNDROME, STEROID-RESISTANT, AUTOSOMAL RECESSIVE. Identifiers: Orphanet 656, MedGen C1868672, MONDO:0010974, OMIM 600995.
Nephrotic range proteinuria. Identifiers: MedGen C0445118, HP:0012593.
Chronic kidney disease. Identifiers: MedGen C1561643, MONDO:0005300, HP:0012622.
Steroid-resistant nephrotic syndrome. Identifiers: MedGen C0403397, MONDO:0044765, HP:0012588.

Allele frequency attached by ClinVar (database versions not stated): gnomAD 0.00054 and 0.00046; gnomAD exomes 0.00060 and 0.00084; TOPMed 0.00059; ExAC 0.00068.
gnomAD v4.1: 1,286 of 1,613,114 alleles (0.08%); highest among the groups gnomAD compares: Non-Finnish European, 0.1%; no homozygotes.

Submissions 1 to 11 of 31:

Victorian Clinical Genetics Services, Murdoch Childrens Research Institute
Classification: Pathogenic for Nephrotic syndrome, type 2. Last evaluated: 2026-05-10. Review status: criteria provided, single submitter. Criteria: ACMG Guidelines, 2015. Collection method: clinical testing. Allele origin: germline. Affected: yes.
Comment: This variant is classified as Pathogenic. Evidence in support of pathogenic classification: Variant is present in gnomAD <0.01 for a recessive condition (v4: 1286 heterozygote(s), 0 homozygote(s)) ; This variant has strong previous evidence of pathogenicity in unrelated individuals. This variant has been classified pathogenic by multiple clinical laboratories (ClinVar); Missense variant predicted to be damaging by in silico tool(s) or highly conserved with a major amino acid change. Additional information: Variant is predicted to result in a missense amino acid change from arginine to glutamine; This variant is heterozygous; This gene is associated with autosomal recessive disease; Variant is located in the annotated Band 7 domain (DECIPHER); Loss of function is a known mechanism of disease in this gene and is associated with nephrotic syndrome, type 2 (MIM#600995); Heterozygous variant detected in trans with a second PATHOGENIC heterozygous variant (NM_014625.4(NPHS2):c.467dup; p.(Leu156Phefs*11)) in a recessive disease.

Labcorp Genetics (formerly Invitae), Labcorp
Classification: Pathogenic. Last evaluated: 2026-01-03. Review status: criteria provided, single submitter. Criteria: Invitae Variant Classification Sherloc (09022015). Collection method: clinical testing. Allele origin: germline.
Comment: This sequence change replaces arginine, which is basic and polar, with glutamine, which is neutral and polar, at codon 138 of the NPHS2 protein (p.Arg138Gln). This variant is present in population databases (rs74315342, gnomAD 0.1%), and has an allele count higher than expected for a pathogenic variant. This missense change has been observed in individual(s) with nephrotic syndrome (PMID: 11729243, 20798252, 24856380, 25852895). In at least one individual the data is consistent with being in trans (on the opposite chromosome) from a pathogenic variant. It is commonly reported in individuals of European ancestry (PMID: 10742096, 17371932). ClinVar contains an entry for this variant (Variation ID: 5360). Invitae Evidence Modeling of protein sequence and biophysical properties (such as structural, functional, and spatial information, amino acid conservation, physicochemical variation, residue mobility, and thermodynamic stability) indicates that this missense variant is expected to disrupt NPHS2 protein function with a positive predictive value of 95%. Experimental studies have shown that this missense change affects NPHS2 function (PMID: 12649741, 14570703, 14675423, 29049388). Algorithms developed to predict the effect of sequence changes on RNA splicing suggest that this variant may disrupt the consensus splice site. For these reasons, this variant has been classified as Pathogenic.

Natera, Inc.
Classification: Pathogenic for Steroid-resistant nephrotic syndrome. Last evaluated: 2025-11-10. Review status: criteria provided, single submitter. Criteria: Natera Variant Classification Schema (03/2026). Collection method: clinical testing. Allele origin: germline.
Comment: The c.413G>A variant in NPHS2 is a missense variant predicted to cause substitution of arginine to glutamine at amino acid 138. This variant is rare in the general population with a frequency below the threshold expected for the associated phenotype(s). This variant has been observed in one or more individuals affected with the associated recessive disease, as either homozygous or compound heterozygous with a second variant (PMID: 35586607, 35497790, 31831576). Computational prediction algorithms indicate this variant is likely to affect gene or protein function. Given the available evidence, this variant is classified as Pathogenic.

Variantyx, Inc.
Classification: Pathogenic for Nephrotic syndrome, type 2. Last evaluated: 2025-09-17. Review status: criteria provided, single submitter. Criteria: Variantyx Assertion Criteria 2022. Collection method: clinical testing. Allele origin: germline. Inheritance: Autosomal recessive inheritance. Affected: yes.
Comment: This is a nonsynonymous variant in the NPHS2 gene (OMIM: 604766). Pathogenic variants in this gene have been associated with autosomal recessive nephrotic syndrome type 2. This variant has been identified in the homozygous or compound heterozygous state in at least in 11 individuals reported in the published literature (PMID: 23242530, 24500309, 11729243, 19406966, 39039281, 12649741) (PM3). Functional studies have shown that this variant alters NPHS2 protein function (PMID: 29382718, 29049388, 14570703) (PS3), and multiple computational algorithms predict a deleterious effect for this variant (REVEL score: 0.944) (PP3). This variant has a 0.1031% maximum allele frequency in non-founder control populations. Based on the current evidence, this variant is classified as pathogenic for autosomal recessive nephrotic syndrome type 2.

Mayo Clinic Laboratories, Mayo Clinic
Classification: Pathogenic. Last evaluated: 2025-08-06. Review status: criteria provided, single submitter. Criteria: ACMG Guidelines, 2015. Collection method: clinical testing. Allele origin: germline. Observed: 2 variant alleles.
Comment: PP3_strong, PM3_strong, PS3, PS4_moderate

Blueprint Genetics
Classification: Pathogenic for NPHS2-related disorders. Last evaluated: 2024-10-30. Review status: criteria provided, single submitter. Criteria: ACMG Guidelines, 2015. Collection method: clinical testing. Allele origin: germline. Affected: yes. Observed: 5 variant alleles.

Dasa
Classification: Pathogenic. Last evaluated: 2024-06-19. Review status: criteria provided, single submitter. Criteria: DASA Assertion Criteria. Collection method: clinical testing. Allele origin: germline.
Comment: NM_014625.4(NPHS2):c.413G>A (p.Arg138Gln) is a missense variant that results in the substitution of arginine with glutamine. Functional evidence supports a deleterious effect on the gene or gene product (PMID: 12649741; PMID: 14570703; PMID: 14675423; PMID: 29049388; PMID: 11729243). This variant has been recurrently observed in individuals with related phenotype (PMID: 12649741; PMID: 14570703; PMID: 14675423; PMID: 29049388; PMID: 11729243). Segregation evidence has been reported in affected families. The variant is present at low frequency in population datasets. Based on the available data, this variant is classified as pathogenic.

Revvity Omics, Revvity
Classification: Pathogenic for Nephrotic syndrome, type 2. Last evaluated: 2024-05-22. Review status: criteria provided, single submitter. Criteria: ACMG Guidelines, 2015. Collection method: clinical testing. Allele origin: germline.

Genetic Services Laboratory, University of Chicago
Classification: Pathogenic. Last evaluated: 2023-08-15. Review status: criteria provided, single submitter. Criteria: ACMG Guidelines, 2015. Collection method: clinical testing. Allele origin: germline. Affected: yes.
Comment: DNA sequence analysis of the NPHS2 gene demonstrated a sequence change, c.413G>A, in exon 3 that results in an amino acid change, p.Arg138Gln. The p.Arg138Gln change affects a highly conserved amino acid residue located in a domain of the NPHS2 protein that is known to be functional. The p.Arg138Gln substitution appears to be deleterious using several in-silico pathogenicity prediction tools (SIFT, PolyPhen2, Align GVGD, REVEL). Experimental studies have demonstrated that this sequence change may impact function of NPHS2 (PMID: 12649741, 29382718, 14570703, 14675423, 29049388). This sequence change has previously been described in a multiple individuals with a diagnosis of nephrotic syndrome (PMID: 23242530, 11729243, 19406966, 24500309, 11729243). This sequence change has been described in the gnomAD database with a frequency of 0.11467% in the non-Finnish European subpopulation (dbSNP rs74315342). Collectively, this evidence indicates that this sequence change is pathogenic.

Department of Pathology and Laboratory Medicine, Sinai Health System
Classification: Pathogenic for Nephrotic syndrome, type 2. Last evaluated: 2023-01-27. Review status: criteria provided, single submitter. Criteria: ACMG Guidelines, 2015. Collection method: research. Allele origin: germline.

Centre of Medical Genetics, University Hospital Muenster
Classification: Pathogenic. Last evaluated: 2021-12-20. Review status: criteria provided, single submitter. Criteria: ACMG Guidelines, 2015. Collection method: clinical testing. Allele origin: unknown. Affected: yes. Observed: 1 variant allele, 1 homozygote.
Comment: ACMG categories: PS1,PM1,PM2,PP3,PP4,PP5

NM_014625.4(NPHS2):c.413G>A (p.Arg138Gln)

Gene: NPHS2 (NPHS2 stomatin family member, podocin; minus strand). Cytogenetic location: 1q25.2.
Variant type: single nucleotide variant.
Coding change: c.413G>A on transcript NM_014625.4 (MANE Select); coding-DNA position 413, G replaced by A.
Protein change: p.Arg138Gln; replaces arginine 138 with glutamine.
Molecular consequence: missense variant.
Genome position (GRCh38, 1-based): chr1:179,561,327, C>T on the plus strand (G>A on the coding strand, the complement: NPHS2 is on the minus strand). VCF-style: chr1-179561327-C-T. GRCh37 (hg19) VCF-style: chr1-179530462-C-T.
Other names: c.413G>A, p.Arg138Gln (NM_001297575.2); short protein forms R138Q.
Identifiers: ClinVar variation 5360 (VCV000005360.99), dbSNP rs74315342, ClinGen allele CA117446.
Genomic context (GRCh38, chr1:179,561,327, plus strand): 5'-AAAAAAAAGAGTGTTTTTTTACCAGGGCCTTTGGCTCTTCCAGGAAGCAGATGTCCCAGT[C>T]GGAATATAATTACTCTTTCATACTCTTGTACAACCTAAAGAGAAATTTAATCCTTTCAAA-3'
Protein context (NP_055440.1, residues 128-148): VQEYERVIIF[Arg138Gln]LGHLLPGRAK